The following is an entry in ClinVar:

ClinVar aggregate classification (germline): Benign. Review status: criteria provided, multiple submitters, no conflicts (2 of 4 stars). 2 submissions from 2 submitters: Benign (2). Last evaluated 2018-06-19.

Allele frequency attached by ClinVar (database versions not stated): 1000 Genomes Project 30x 0.04700; gnomAD exomes 0.00507; gnomAD 0.04120; 1000 Genomes Project 0.04273; TOPMed 0.04666.
gnomAD v4.1: 8,684 of 565,678 alleles (1.5%); highest among the groups gnomAD compares: African/African-American, 14%; 591 homozygotes.

Submissions (2):

GeneDx
Classification: Benign. Last evaluated: 2018-06-19. Review status: criteria provided, single submitter. Criteria: GeneDx Variant Classification (06012015). Collection method: clinical testing. Allele origin: germline. Affected: yes.
Comment: This variant is considered likely benign or benign based on one or more of the following criteria: it is a conservative change, it occurs at a poorly conserved position in the protein, it is predicted to be benign by multiple in silico algorithms, and/or has population frequency not consistent with disease.

Breakthrough Genomics
Classification: Benign. Review status: criteria provided, single submitter. Criteria: ACMG Guidelines, 2015. Collection method: not provided. Allele origin: germline. Inheritance: Autosomal dominant inheritance. Affected: yes.

NM_004408.4(DNM1):c.1336-231G>A

Gene: DNM1 (dynamin 1; plus strand). Cytogenetic location: 9q34.11.
Variant type: single nucleotide variant.
Coding change: c.1336-231G>A on transcript NM_004408.4 (MANE Select); 231 bases into the intron before coding-DNA position 1336, G replaced by A.
Molecular consequence: intron variant.
Genome position (GRCh38, 1-based): chr9:128,233,790, G>A. VCF-style: chr9-128233790-G-A. GRCh37 (hg19) VCF-style: chr9-130996069-G-A.
Other names: c.1336-231G>A (NM_001005336.3, NM_001288738.2, NM_001288737.2 and 1 more transcripts).
Identifiers: ClinVar variation 677445 (VCV000677445.2), dbSNP rs28514594, ClinGen allele CA200357471.